The following is an entry in ClinVar:

NM_004168.4(SDHA):c.1678A>G (p.Thr560Ala)

Gene: SDHA (succinate dehydrogenase complex flavoprotein subunit A; plus strand). Cytogenetic location: 5p15.33.
Variant type: single nucleotide variant.
Coding change: c.1678A>G on transcript NM_004168.4 (MANE Select); coding-DNA position 1678, A replaced by G.
Protein change: p.Thr560Ala; replaces threonine 560 with alanine.
Molecular consequence: missense variant. On other transcripts: intron variant (1).
Genome position (GRCh38, 1-based): chr5:251,352, A>G. VCF-style: chr5-251352-A-G. GRCh37 (hg19) VCF-style: chr5-251467-A-G.
Other names: c.1534A>G, p.Thr512Ala (NM_001294332.2); c.1552-3041A>G (NM_001330758.2); short protein forms T512A, T560A.
Identifiers: ClinVar variation 938169 (VCV000938169.13), dbSNP rs1269114291, ClinGen allele CA358999900.

ClinVar aggregate classification (germline): Uncertain significance. Review status: criteria provided, multiple submitters, no conflicts (2 of 4 stars). 2 submissions from 2 submitters: Uncertain significance (2). Last evaluated 2025-05-07.

Conditions:
Mitochondrial complex II deficiency, nuclear type 1. Also called: SUCCINATE CoQ REDUCTASE DEFICIENCY. Identifiers: Orphanet 3208, MedGen C5700310, MONDO:0100294, OMIM 252011.
Pheochromocytoma/paraganglioma syndrome 5. Also called: Paragangliomas 5; SDHA-Related Hereditary Paraganglioma-Pheochromocytoma Syndrome. Identifiers: Orphanet 29072, MedGen C3279992, MONDO:0013602, OMIM 614165.
Hereditary cancer-predisposing syndrome. Also called: Hereditary Cancer Syndrome; Neoplastic Syndromes, Hereditary; Tumor predisposition; Hereditary neoplastic syndrome. Identifiers: Orphanet 140162, MedGen C0027672, MeSH D009386, MONDO:0015356.

Allele frequency attached by ClinVar (database versions not stated): gnomAD exomes below 0.00001 and 0.00001.
gnomAD v4.1: 8 of 1,613,466 alleles (0.0005%); highest among the groups gnomAD compares: Non-Finnish European, 0.00068%; no homozygotes.

Submissions (2):

Ambry Genetics
Classification: Uncertain significance for Hereditary cancer-predisposing syndrome. Last evaluated: 2025-05-07. Review status: criteria provided, single submitter. Criteria: Ambry Variant Classification Scheme 2023. Collection method: clinical testing. Allele origin: germline.
Comment: The p.T560A variant (also known as c.1678A>G), located in coding exon 13 of the SDHA gene, results from an A to G substitution at nucleotide position 1678. The threonine at codon 560 is replaced by alanine, an amino acid with similar properties. This amino acid position is highly conserved in available vertebrate species. In addition, the in silico prediction for this alteration is inconclusive. Based on the available evidence, the clinical significance of this variant remains unclear.

Labcorp Genetics (formerly Invitae), Labcorp
Classification: Uncertain significance for Pheochromocytoma/paraganglioma syndrome 5; Mitochondrial complex II deficiency, nuclear type 1. Last evaluated: 2023-01-17. Review status: criteria provided, single submitter. Criteria: Invitae Variant Classification Sherloc (09022015). Collection method: clinical testing. Allele origin: germline.
Comment: In summary, the available evidence is currently insufficient to determine the role of this variant in disease. Therefore, it has been classified as a Variant of Uncertain Significance. Advanced modeling of protein sequence and biophysical properties (such as structural, functional, and spatial information, amino acid conservation, physicochemical variation, residue mobility, and thermodynamic stability) has been performed at Invitae for this missense variant, however the output from this modeling did not meet the statistical confidence thresholds required to predict the impact of this variant on SDHA protein function. ClinVar contains an entry for this variant (Variation ID: 938169). This variant has not been reported in the literature in individuals affected with SDHA-related conditions. This variant is present in population databases (no rsID available, gnomAD 0.0009%). This sequence change replaces threonine, which is neutral and polar, with alanine, which is neutral and non-polar, at codon 560 of the SDHA protein (p.Thr560Ala).